The following is an entry in ClinVar:

NM_032383.5(HPS3):c.660_661dup (p.Val221fs)

Gene: HPS3 (HPS3 biogenesis of lysosomal organelles complex 2 subunit 1; plus strand). Cytogenetic location: 3q24.
Variant type: Microsatellite.
Coding change: c.660_661dup on transcript NM_032383.5 (MANE Select); coding-DNA positions 660 to 661, 2 bases duplicated (AG; older notation c.660_661dupAG).
Protein change: p.Val221fs; shifts the reading frame from valine 221.
Molecular consequence: frameshift variant. On other transcripts: intron variant (1).
Genome position (GRCh38, 1-based): chr3:149,140,446-149,140,447, AG duplicated; duplicating any 2 consecutive bases within chr3:149,140,439-149,140,447 gives the same sequence; the c. name uses the placement nearest the transcript's 3' end. VCF-style (leftmost placement, unchanged base first): chr3-149140438-G-GGA. GRCh37 (hg19) VCF-style: chr3-148858225-G-GGA.
Other names: c.218-578GA[5] (NM_001308258.2); short protein forms V221fs.
Identifiers: ClinVar variation 2859452 (VCV002859452.3), dbSNP rs1363164647, ClinGen allele CA2739279553.
Genomic context (GRCh38, chr3:149,140,438, plus strand): 5'-GTTGCTGTCATGTCAGACTTAGAAGTCTTAATCGTAAAACTGGAGTCAGGCCCTAAAAAT[G>GGA]GAGAGAGAGTTCACCACCATCCACATAAGACCAACAATCGAATAAGACGGACAGAAGAAG-3'

ClinVar aggregate classification (germline): Pathogenic (1 of 4 stars; one submission).

Submission:

Labcorp Genetics (formerly Invitae), Labcorp
Classification: Pathogenic. Last evaluated: 2023-04-26. Review status: criteria provided, single submitter. Criteria: Invitae Variant Classification Sherloc (09022015). Collection method: clinical testing. Allele origin: germline.
Comment: For these reasons, this variant has been classified as Pathogenic. This variant has not been reported in the literature in individuals affected with HPS3-related conditions. This variant is not present in population databases (gnomAD no frequency). This sequence change creates a premature translational stop signal (p.Val221Glufs*13) in the HPS3 gene. It is expected to result in an absent or disrupted protein product. Loss-of-function variants in HPS3 are known to be pathogenic (PMID: 11590544).

Literature cited by the submitters: PubMed 11590544.